The following is an entry in ClinVar:

ClinVar aggregate classification (germline): Conflicting classifications of pathogenicity. Review status: criteria provided, conflicting classifications (1 of 4 stars). 14 submissions from 14 submitters: Uncertain significance (1); Benign (3); Likely benign (9). 1 of the submissions does not count toward it. Last evaluated 2026-07-01.

Conditions:
Hereditary cancer-predisposing syndrome. Also called: Neoplastic Syndromes, Hereditary; Tumor predisposition; Hereditary neoplastic syndrome; Hereditary Cancer Syndrome. Identifiers: Orphanet 140162, MedGen C0027672, MeSH D009386, MONDO:0015356.
DICER1-related tumor predisposition. Also called: DICER1 syndrome; DICER1-related pleuropulmonary blastoma cancer predisposition syndrome. Identifiers: Orphanet 284343, MedGen C3839822, MONDO:0100216.

Submissions (14):

CeGaT Center for Human Genetics Tuebingen
Classification: Likely benign. Last evaluated: 2026-07-01. Review status: criteria provided, single submitter. Criteria: CeGaT Center For Human Genetics Tuebingen Variant Classification Criteria Version 2. Collection method: clinical testing. Allele origin: germline. Affected: yes. Observed: 11 variant alleles.
Comment: DICER1: BS1

Myriad Genetics, Inc.
Classification: Likely benign for DICER1-related tumor predisposition. Last evaluated: 2026-04-14. Review status: criteria provided, single submitter. Criteria: Myriad Autosomal Dominant, Autosomal Recessive and X-Linked Classification Criteria (2023). Collection method: clinical testing. Allele origin: unknown.
Comment: This variant is considered likely benign. This variant has been observed at a population frequency that is significantly greater than expected given the associated disease prevalence and penetrance.

Labcorp Genetics (formerly Invitae), Labcorp
Classification: Benign for DICER1-related tumor predisposition. Last evaluated: 2026-02-03. Review status: criteria provided, single submitter. Criteria: Invitae Variant Classification Sherloc (09022015). Collection method: clinical testing. Allele origin: germline.

Center for Genomic Medicine, Rigshospitalet, Copenhagen University Hospital
Classification: Likely benign. Last evaluated: 2025-12-29. Review status: criteria provided, single submitter. Criteria: ACMG Guidelines, 2015. Collection method: clinical testing. Allele origin: germline.
Comment: Classification criteria: BS1

Quest Diagnostics Nichols Institute San Juan Capistrano
Classification: Benign. Last evaluated: 2025-07-28. Review status: criteria provided, single submitter. Criteria: Quest Diagnostics criteria. Collection method: clinical testing. Allele origin: unknown.

Mayo Clinic Laboratories, Mayo Clinic
Classification: Likely benign. Last evaluated: 2025-07-23. Review status: criteria provided, single submitter. Criteria: ACMG Guidelines, 2015. Collection method: clinical testing. Allele origin: germline. Observed: 2 variant alleles.
Comment: BS1, BS2_supporting

Blueprint Genetics
Classification: Likely benign. Last evaluated: 2024-11-27. Review status: criteria provided, single submitter. Criteria: ACMG Guidelines, 2015. Collection method: clinical testing. Allele origin: germline.

Department of Pathology and Laboratory Medicine, Sinai Health System
Classification: Likely benign for DICER1-related tumor predisposition. Last evaluated: 2024-07-30. Review status: criteria provided, single submitter. Criteria: ACMG Guidelines, 2015. Collection method: clinical testing. Allele origin: germline.

ARUP Laboratories, Molecular Genetics and Genomics, ARUP Laboratories
Classification: Likely benign. Last evaluated: 2021-09-18. Review status: criteria provided, single submitter. Criteria: ARUP Molecular Germline Variant Investigation Process 2021. Collection method: clinical testing. Allele origin: germline.

GeneDx
Classification: Likely benign. Last evaluated: 2021-05-21. Review status: criteria provided, single submitter. Criteria: GeneDx Variant Classification Process June 2021. Collection method: clinical testing. Allele origin: germline. Affected: yes.
Comment: This variant is associated with the following publications: (PMID: 21266384, 24728327, 22180160, 29187512, 29474644)

Sema4
Classification: Benign for Hereditary cancer-predisposing syndrome. Last evaluated: 2020-11-06. Review status: criteria provided, single submitter. Criteria: Sema4 Curation Guidelines. Collection method: curation. Allele origin: germline.

Foulkes Cancer Genetics LDI, Lady Davis Institute for Medical Research
Classification: Uncertain significance. Last evaluated: 2019-07-01. Review status: criteria provided, single submitter. Criteria: ACMG Guidelines, 2015. Collection method: curation. Allele origin: somatic, unknown. Affected: yes. Observed: 2 variant alleles.
Comment: ACMG criteria met: PM4, BS1

Ambry Genetics
Classification: Likely benign for Hereditary cancer-predisposing syndrome. Last evaluated: 2019-04-17. Review status: criteria provided, single submitter. Criteria: Ambry Variant Classification Scheme 2023. Collection method: clinical testing. Allele origin: germline.

ITMI
No classification provided. Condition: AllHighlyPenetrant. Last evaluated: 2013-09-19. Review status: no classification provided. Collection method: reference population. Allele origin: germline. Not counted in ClinVar's aggregate classification.
Comment: Please see associated publication for description of ethnicities

Literature cited by the submitters: PubMed 29474644 (cited by 4 submitters); PubMed 33718253 (cited by Center for Genomic Medicine, Rigshospitalet, Copenhagen University Hospital and Quest Diagnostics Nichols Institute San Juan Capistrano); PubMed 24728327 (cited by 3 submitters); PubMed 22180160 (cited by 3 submitters); PubMed 29187512 (cited by Ambry Genetics).

NM_177438.3(DICER1):c.4254GGA[2] (p.Glu1420del)

Gene: DICER1 (dicer 1, ribonuclease III; minus strand). Cytogenetic location: 14q32.13.
Variant type: Microsatellite.
Coding change: c.4254GGA[2] on transcript NM_177438.3 (MANE Select); two copies in a row of the 3-base unit GGA starting at c.4254; the reference has three copies in a row; one copy, 3 bases deleted; also written c.4260_4262del.
Protein change: p.Glu1420del; deletes glutamic acid 1420.
Molecular consequence: inframe deletion.
Genome position (GRCh38, 1-based): chr14:95,096,658-95,096,660, TCC deleted on the plus strand (GGA on the coding strand, the reverse complement: DICER1 is on the minus strand); deleting any 3 consecutive bases within chr14:95,096,658-95,096,668 gives the same sequence; the position shown is the placement nearest the transcript's 3' end. VCF-style (leftmost placement, unchanged base first): chr14-95096657-ATCC-A. GRCh37 (hg19) VCF-style: chr14-95562994-ATCC-A.
Other names: p.Glu1420del; c.4260_4262delGGA (NM_177438.3, NM_177438.2); c.4260_4262del (NM_177438.3); c.4254GGA[2], p.Glu1420del (NM_001195573.1, NM_001271282.3, NM_001291628.2 and 1 more transcripts); short protein forms E1420del.
Identifiers: ClinVar variation 133971 (VCV000133971.70), dbSNP rs544960260, ClinGen allele CA332146.